The following is an entry in ClinVar:

ClinVar aggregate classification (germline): Pathogenic (1 of 4 stars; one submission).

Conditions:
Leigh syndrome (NULS). Also called: Leigh's syndrome; Leigh's necrotizing encephalopathy; Leigh's disease; LEIGH SYNDROME, NUCLEAR; Leigh Syndrome (mtDNA deletion); Leigh Disease. Identifiers: Orphanet 506, MedGen C2931891, MONDO:0009723, OMIM 256000.

Submission:

Labcorp Genetics (formerly Invitae), Labcorp
Classification: Pathogenic for Leigh syndrome. Last evaluated: 2025-09-09. Review status: criteria provided, single submitter. Criteria: Invitae Variant Classification Sherloc (09022015). Collection method: clinical testing. Allele origin: germline.
Comment: This sequence change creates a premature translational stop signal (p.Tyr229*) in the SURF1 gene. It is expected to result in an absent or disrupted protein product. Loss-of-function variants in SURF1 are known to be pathogenic (PMID: 10443880, 22488715, 24027061). This variant is not present in population databases (gnomAD no frequency). This variant has not been reported in the literature in individuals affected with SURF1-related conditions. Algorithms developed to predict the effect of sequence changes on RNA splicing suggest that this variant may disrupt the consensus splice site. For these reasons, this variant has been classified as Pathogenic.

Literature cited by the submitters: PubMed 10443880; PubMed 22488715; PubMed 24027061.

NM_003172.4(SURF1):c.686_688del (p.Tyr229_Arg230delinsTer)

Gene: SURF1 (SURF1 cytochrome c oxidase assembly factor; minus strand). Cytogenetic location: 9q34.2.
Variant type: Deletion.
Coding change: c.686_688del on transcript NM_003172.4 (MANE Select); coding-DNA positions 686 to 688, 3 bases deleted (ATC; older notation c.686_688delATC).
Protein change: p.Tyr229_Arg230delinsTer.
Molecular consequence: nonsense.
Genome position (GRCh38, 1-based): chr9:133,352,509-133,352,511, GAT deleted on the plus strand (ATC on the coding strand, the reverse complement: SURF1 is on the minus strand). VCF-style (leftmost placement, unchanged base first): chr9-133352508-CGAT-C. GRCh37 (hg19) VCF-style: chr9-136219363-CGAT-C.
Other names: c.359_361del, p.Tyr120_Arg121delinsTer (NM_001280787.1).
Identifiers: ClinVar variation 4726835 (VCV004726835.1).
Genomic context (GRCh38, chr9:133,352,508, plus strand): 5'-AAGTTGGCATCAATGAAGATGGGCTCTGCGCCTGTGATTCTGGCCATAGCTTCCAGGTCT[CGAT>C]AATGCCAGTGGTTCCTTTCTGGATTGTTCTCAGGGACAAAAGGCTGCCTGGTTTCTGTCA-3'